The following is an entry in ClinVar:

ClinVar aggregate classification (germline): Benign (1 of 4 stars; one submission).

Allele frequency attached by ClinVar (database versions not stated): 1000 Genomes Project 0.00260; 1000 Genomes Project 30x 0.00281; gnomAD 0.00306; TOPMed 0.00354.
gnomAD v4.1: 577 of 484,794 alleles (0.12%); highest among the groups gnomAD compares: African/African-American, 1.1%; 2 homozygotes.

Submission:

CeGaT Center for Human Genetics Tuebingen
Classification: Benign. Last evaluated: 2022-03-01. Review status: criteria provided, single submitter. Criteria: CeGaT Center For Human Genetics Tuebingen Variant Classification Criteria Version 2. Collection method: clinical testing. Allele origin: germline. Affected: yes. Observed: 1 variant allele.
Comment: JAK2: BS1, BS2

NM_004972.4(JAK2):c.3060-8380G>C

Genes: INSL6 (insulin like 6; minus strand), JAK2 (Janus kinase 2; plus strand). Cytogenetic location: 9p24.1.
Variant type: single nucleotide variant.
Coding change: c.3060-8380G>C on transcript NM_004972.4 (MANE Select); 8380 bases into the intron before coding-DNA position 3060, G replaced by C.
Molecular consequence: intron variant.
Genome position (GRCh38, 1-based): chr9:5,114,624, G>C. VCF-style: chr9-5114624-G-C. GRCh37 (hg19) VCF-style: chr9-5114624-G-C.
Other names: c.3060-8380G>C (NM_001322194.2, NM_001322195.2, NM_001322196.2); c.1845-8380G>C (NM_001322198.2, NM_001322199.2); c.2613-8380G>C (NM_001322204.2).
Identifiers: ClinVar variation 2659048 (VCV002659048.24), dbSNP rs184001218, ClinGen allele CA188437807.